The following is an entry in ClinVar:

ClinVar aggregate classification (germline): Uncertain significance (1 of 4 stars; one submission).

Conditions:
Myopathy, proximal, and ophthalmoplegia (CMYO6). Also called: CONGENITAL MYOPATHY 6 WITH OPHTHALMOPLEGIA; MYOPATHY WITH CONGENITAL JOINT CONTRACTURES, OPHTHALMOPLEGIA, AND RIMMED VACUOLES; INCLUSION BODY MYOPATHY 3, AUTOSOMAL DOMINANT. Identifiers: Orphanet 363677, Orphanet 79091, MedGen C1854106, MONDO:0011577, OMIM 605637.

Submission:

Victorian Clinical Genetics Services, Murdoch Childrens Research Institute
Classification: Uncertain significance for Myopathy, proximal, and ophthalmoplegia. Last evaluated: 2026-04-29. Review status: criteria provided, single submitter. Criteria: ACMG Guidelines, 2015. Collection method: clinical testing. Allele origin: germline. Affected: yes.
Comment: This variant is classified as VUS-3B. Evidence in support of pathogenic classification: Variant is absent from gnomAD (v2, v3 and v4). Additional information: Variant is predicted to result in a missense amino acid change from Lys to Arg; This variant is heterozygous; This gene is associated with both recessive and dominant diseases. Variants that result in a premature termination codon have been reported to cause recessive disease, while missense variants have been reported for both dominant and recessive disease (PMID: 20418530); Alternative amino acid changes at the same position are present in gnomAD (highest allele count: v4: 3 heterozygote(s), 0 homozygote(s)); This variant has no previous evidence of pathogenicity; No published evidence of segregation with disease has been identified for this variant; No published functional evidence has been identified for this variant; No comparable missense variants have previous evidence for pathogenicity; Variant is located in the annotated myosin tail 1 domain (DECIPHER); Missense variant with inconclusive in silico prediction and/or uninformative conservation; Loss of function is a known mechanism of disease in this gene and is associated with autosomal recessive congenital myopathy 6 with ophthalmoplegia (MIM#605637). Dominant negative is a suspected mechanism for missense variants that cause dominant disease; however, more functional studies are required (PMIDs: 11114175, 20418530); Inheritance information for this variant is not currently available in this individual.

Literature cited by the submitters: PubMed 20418530; PubMed 11114175.

NM_017534.6(MYH2):c.3419A>G (p.Lys1140Arg)

Genes: MYHAS (myosin heavy chain gene cluster antisense RNA; plus strand), MYH2 (myosin heavy chain 2; minus strand). Cytogenetic location: 17p13.1.
Variant type: single nucleotide variant.
Coding change: c.3419A>G on transcript NM_017534.6 (MANE Select); coding-DNA position 3419, A replaced by G.
Protein change: p.Lys1140Arg; replaces lysine 1140 with arginine.
Molecular consequence: missense variant.
Genome position (GRCh38, 1-based): chr17:10,529,015, T>C on the plus strand (A>G on the coding strand, the complement: MYH2 is on the minus strand). VCF-style: chr17-10529015-T-C. GRCh37 (hg19) VCF-style: chr17-10432332-T-C.
Other names: c.3419A>G, p.Lys1140Arg (NM_001100112.2); short protein forms K1140R.
Identifiers: ClinVar variation 4879644 (VCV004879644.1).